The following is an entry in ClinVar:

NM_145725.3(TRAF3):c.7T>C (p.Ser3Pro)

Gene: TRAF3 (TNF receptor associated factor 3; plus strand). Cytogenetic location: 14q32.32.
Variant type: single nucleotide variant.
Coding change: c.7T>C on transcript NM_145725.3 (MANE Select); coding-DNA position 7, T replaced by C.
Protein change: p.Ser3Pro; replaces serine 3 with proline.
Molecular consequence: missense variant.
Genome position (GRCh38, 1-based): chr14:102,870,208, T>C. VCF-style: chr14-102870208-T-C. GRCh37 (hg19) VCF-style: chr14-103336545-T-C.
Other names: c.7T>C, p.Ser3Pro (NM_001199427.2, NM_001385142.1, NM_001385143.1 and 2 more transcripts); short protein forms S3P.
Identifiers: ClinVar variation 3018133 (VCV003018133.3), dbSNP rs2542429932, ClinGen allele CA391069503.

ClinVar aggregate classification (germline): Uncertain significance (1 of 4 stars; one submission).

Conditions:
Immunodeficiency 132A. Also called: Herpes simplex encephalitis, susceptibility to, 3. Identifiers: Orphanet 1930, MedGen C3553868, MONDO:0013920, OMIM 614849.

Submission:

Labcorp Genetics (formerly Invitae), Labcorp
Classification: Uncertain significance for Immunodeficiency 132A. Last evaluated: 2023-02-21. Review status: criteria provided, single submitter. Criteria: Invitae Variant Classification Sherloc (09022015). Collection method: clinical testing. Allele origin: germline.
Comment: In summary, the available evidence is currently insufficient to determine the role of this variant in disease. Therefore, it has been classified as a Variant of Uncertain Significance. Algorithms developed to predict the effect of missense changes on protein structure and function output the following: SIFT: "Not Available"; PolyPhen-2: "Benign"; Align-GVGD: "Not Available". The proline amino acid residue is found in multiple mammalian species, which suggests that this missense change does not adversely affect protein function. This variant has not been reported in the literature in individuals affected with TRAF3-related conditions. This variant is not present in population databases (gnomAD no frequency). This sequence change replaces serine, which is neutral and polar, with proline, which is neutral and non-polar, at codon 3 of the TRAF3 protein (p.Ser3Pro).